The following is an entry in ClinVar:

ClinVar aggregate classification (germline): Uncertain significance. Review status: criteria provided, multiple submitters, no conflicts (2 of 4 stars). 2 submissions from 2 submitters: Uncertain significance (2). Last evaluated 2025-08-09.

Conditions:
Inborn genetic diseases. Identifiers: MedGen C0950123, MeSH D030342.

Submissions (2):

Ambry Genetics
Classification: Uncertain significance for Inborn genetic diseases. Last evaluated: 2025-08-09. Review status: criteria provided, single submitter. Criteria: Ambry Variant Classification Scheme 2023. Collection method: clinical testing. Allele origin: germline.

Labcorp Genetics (formerly Invitae), Labcorp
Classification: Uncertain significance. Last evaluated: 2022-09-23. Review status: criteria provided, single submitter. Criteria: Invitae Variant Classification Sherloc (09022015). Collection method: clinical testing. Allele origin: germline.
Comment: This sequence change replaces glycine, which is neutral and non-polar, with alanine, which is neutral and non-polar, at codon 550 of the FBXO11 protein (p.Gly550Ala). This variant is not present in population databases (gnomAD no frequency). This variant has not been reported in the literature in individuals affected with FBXO11-related conditions. Algorithms developed to predict the effect of missense changes on protein structure and function (SIFT, PolyPhen-2, Align-GVGD) all suggest that this variant is likely to be disruptive. In summary, the available evidence is currently insufficient to determine the role of this variant in disease. Therefore, it has been classified as a Variant of Uncertain Significance.

NM_001190274.2(FBXO11):c.1649G>C (p.Gly550Ala)

Gene: FBXO11 (F-box protein 11; minus strand). Cytogenetic location: 2p16.3.
Variant type: single nucleotide variant.
Coding change: c.1649G>C on transcript NM_001190274.2 (MANE Select); coding-DNA position 1649, G replaced by C.
Protein change: p.Gly550Ala; replaces glycine 550 with alanine.
Molecular consequence: missense variant.
Genome position (GRCh38, 1-based): chr2:47,822,271, C>G on the plus strand (G>C on the coding strand, the complement: FBXO11 is on the minus strand). VCF-style: chr2-47822271-C-G. GRCh37 (hg19) VCF-style: chr2-48049410-C-G.
Other names: c.1397G>C, p.Gly466Ala (NM_001374325.1, NM_025133.4); c.1649G>C (NM_001190274.1); short protein forms G466A, G550A.
Identifiers: ClinVar variation 1720222 (VCV001720222.6), dbSNP rs2531091958, ClinGen allele CA346764548.